The following is an entry in ClinVar:

ClinVar aggregate classification (germline): Uncertain significance. Review status: criteria provided, multiple submitters, no conflicts (2 of 4 stars). 4 submissions from 3 submitters: Uncertain significance (4). Last evaluated 2023-11-04.

Conditions:
Retinitis pigmentosa 39 (RP39). Identifiers: Orphanet 791, MedGen C3151138, MONDO:0013436, OMIM 613809.
Usher syndrome type 2A. Also called: USHER SYNDROME, TYPE IIA; RETINAL DISEASE IN USHER SYNDROME TYPE IIA, MODIFIER OF. Identifiers: Orphanet 231178, Orphanet 886, MedGen C1848634, MONDO:0010169, OMIM 276901.

Allele frequency attached by ClinVar (database versions not stated): ExAC 0.00002; gnomAD exomes 0.00002.
gnomAD v4.1: 2 of 1,614,162 alleles (0.00012%); highest among the groups gnomAD compares: East Asian, 0.0045%; no homozygotes.

Submissions (4):

Genome-Nilou Lab
Classification: Uncertain significance for Retinitis pigmentosa 39. Last evaluated: 2023-11-04. Review status: criteria provided, single submitter. Criteria: ACMG Guidelines, 2015. Collection method: clinical testing. Allele origin: germline. Affected: no.

Genome-Nilou Lab
Classification: Uncertain significance for Usher syndrome type 2A. Last evaluated: 2023-11-04. Review status: criteria provided, single submitter. Criteria: ACMG Guidelines, 2015. Collection method: clinical testing. Allele origin: germline. Affected: no.

GeneDx
Classification: Uncertain significance. Last evaluated: 2022-12-01. Review status: criteria provided, single submitter. Criteria: GeneDx Variant Classification Process June 2021. Collection method: clinical testing. Allele origin: germline. Affected: yes.
Comment: In silico analysis supports that this missense variant has a deleterious effect on protein structure/function; Has not been previously published as pathogenic or benign to our knowledge

Labcorp Genetics (formerly Invitae), Labcorp
Classification: Uncertain significance. Last evaluated: 2021-10-03. Review status: criteria provided, single submitter. Criteria: Invitae Variant Classification Sherloc (09022015). Collection method: clinical testing. Allele origin: germline.
Comment: This sequence change replaces lysine with methionine at codon 5192 of the USH2A protein (p.Lys5192Met). The lysine residue is highly conserved and there is a moderate physicochemical difference between lysine and methionine. This variant is present in population databases (rs761474352, ExAC 0.02%). This variant has not been reported in the literature in individuals affected with USH2A-related conditions. Algorithms developed to predict the effect of missense changes on protein structure and function are either unavailable or do not agree on the potential impact of this missense change (SIFT: "Deleterious"; PolyPhen-2: "Probably Damaging"; Align-GVGD: "Class C0"). In summary, the available evidence is currently insufficient to determine the role of this variant in disease. Therefore, it has been classified as a Variant of Uncertain Significance.

NM_206933.4(USH2A):c.15575A>T (p.Lys5192Met)

Gene: USH2A (usherin; minus strand). Cytogenetic location: 1q41.
Variant type: single nucleotide variant.
Coding change: c.15575A>T on transcript NM_206933.4 (MANE Select); coding-DNA position 15575, A replaced by T.
Protein change: p.Lys5192Met; replaces lysine 5192 with methionine.
Molecular consequence: missense variant.
Genome position (GRCh38, 1-based): chr1:215,625,815, T>A on the plus strand (A>T on the coding strand, the complement: USH2A is on the minus strand). VCF-style: chr1-215625815-T-A. GRCh37 (hg19) VCF-style: chr1-215799157-T-A.
Other names: c.15575A>T (NM_206933.2); short protein forms K5192M.
Identifiers: ClinVar variation 1358771 (VCV001358771.6), dbSNP rs761474352, ClinGen allele CA1392617.